The following is an entry in ClinVar:

ClinVar aggregate classification (germline): Uncertain significance (1 of 4 stars; one submission).

Conditions:
Thrombocytopenia 5 (THC5). Also called: THROMBOCYTOPENIA 5 WITH INCREASED SUSCEPTIBILITY TO MALIGNANCY; THROMBOCYTOPENIA, AUTOSOMAL DOMINANT, 5. Identifiers: MedGen C4015537, MONDO:0014536, OMIM 616216.

Submission:

St. Jude Molecular Pathology, St. Jude Children's Research Hospital
Classification: Uncertain significance for Thrombocytopenia 5. Last evaluated: 2021-04-15. Review status: criteria provided, single submitter. Criteria: St. Jude Assertion Criteria 2020. Collection method: clinical testing. Allele origin: germline. Affected: yes.
Comment: The ETV6 c.1113_1120delinsCCCCCCAC (p.Asp372_Asn374delinsProProHis) change is a complex missense change which results in two amino acid substitutions: Asp372Pro and Asn374His. These missense substitutions are both absent in gnomAD v2.1.1 (PM2_Supporting). The affected amino acids are in the ETS domain where damaging ETV6 variants are known to cluster (PM1; PMID: 32693409, 26522332). To our knowledge, functional studies affecting these amino acids have not been performed. In summary, this variant meets criteria to be classified as of uncertain significance based on the ACMG/AMP criteria: PM1, PM2_Supporting, PS4_Supporting.

NM_001987.5(ETV6):c.1113_1120delinsCCCCCCAC (p.Asp372_Asn374delinsProProHis)

Genes: ETV6 (ETS variant transcription factor 6; plus strand), LOC126861452 (CDK7 strongly-dependent group 2 enhancer GRCh37_chr12:12037195-12038394; plus strand). Cytogenetic location: 12p13.2.
Variant type: Indel.
Coding change: c.1113_1120delinsCCCCCCAC on transcript NM_001987.5 (MANE Select); coding-DNA positions 1113 to 1120, GGATCCCA replaced by CCCCCCAC.
Protein change: p.Asp372_Asn374delinsProProHis.
Molecular consequence: missense variant.
Genome position (GRCh38, 1-based): chr12:11,884,548-11,884,555, GGATCCCA replaced by CCCCCCAC. VCF-style: chr12-11884548-GGATCCCA-CCCCCCAC. GRCh37 (hg19) VCF-style: chr12-12037482-GGATCCCA-CCCCCCAC.
Identifiers: ClinVar variation 1172743 (VCV001172743.2), dbSNP rs2136596195, ClinGen allele CA2499221462.